The following is an entry in ClinVar:

NM_000179.3(MSH6):c.3029C>G (p.Thr1010Ser)

Gene: MSH6 (mutS homolog 6; plus strand). Cytogenetic location: 2p16.3.
Variant type: single nucleotide variant.
Coding change: c.3029C>G on transcript NM_000179.3 (MANE Select); coding-DNA position 3029, C replaced by G.
Protein change: p.Thr1010Ser; replaces threonine 1010 with serine.
Molecular consequence: missense variant.
Genome position (GRCh38, 1-based): chr2:47,801,012, C>G. VCF-style: chr2-47801012-C-G. GRCh37 (hg19) VCF-style: chr2-48028151-C-G.
Other names: c.2639C>G, p.Thr880Ser (NM_001281492.2); c.2123C>G, p.Thr708Ser (NM_001281493.2, NM_001281494.2); short protein forms T1010S, T880S, T708S.
Identifiers: ClinVar variation 483827 (VCV000483827.31), dbSNP rs768925694, ClinGen allele CA346756458.
Genomic context (GRCh38, chr2:47,801,012, plus strand): 5'-TGCCAGAAGAATACGAGTTGAAATCTACCAAGAAGGGCTGTAAACGATACTGGACCAAAA[C>G]TATTGAAAAGAAGTTGGCTAATCTCATAAATGCTGAAGAACGGAGGGATGTATCATTGAA-3'
Protein context (NP_000170.1, residues 1000-1020): KKGCKRYWTK[Thr1010Ser]IEKKLANLIN

ClinVar aggregate classification (germline): Conflicting classifications of pathogenicity. Review status: criteria provided, conflicting classifications (1 of 4 stars). 8 submissions from 8 submitters: Uncertain significance (7); Likely benign (1). Last evaluated 2026-01-06.

Conditions:
Hereditary cancer-predisposing syndrome. Also called: Tumor predisposition; Hereditary neoplastic syndrome; Neoplastic Syndromes, Hereditary; Hereditary Cancer Syndrome. Identifiers: Orphanet 140162, MedGen C0027672, MeSH D009386, MONDO:0015356.
Hereditary nonpolyposis colorectal neoplasms. Identifiers: MedGen C0009405, MeSH D003123.
Lynch syndrome. Identifiers: Orphanet 144, MedGen C4552100, MONDO:0005835. Disease mechanism: loss of function.
Endometrial carcinoma. Also called: Endometrial carcinoma, somatic. Identifiers: MedGen C0476089, MONDO:0002447, OMIM 608089, HP:0012114.

Submissions (8):

Labcorp Genetics (formerly Invitae), Labcorp
Classification: Uncertain significance for Hereditary nonpolyposis colorectal neoplasms. Last evaluated: 2026-01-06. Review status: criteria provided, single submitter. Criteria: Invitae Variant Classification Sherloc (09022015). Collection method: clinical testing. Allele origin: germline.
Comment: This sequence change replaces threonine, which is neutral and polar, with serine, which is neutral and polar, at codon 1010 of the MSH6 protein (p.Thr1010Ser). This variant is not present in population databases (gnomAD no frequency). This missense change has been observed in individual(s) with clinical features of MSH6-related conditions (PMID: 27146957). ClinVar contains an entry for this variant (Variation ID: 483827). Invitae Evidence Modeling of protein sequence and biophysical properties (such as structural, functional, and spatial information, amino acid conservation, physicochemical variation, residue mobility, and thermodynamic stability) indicates that this missense variant is not expected to disrupt MSH6 protein function with a negative predictive value of 95%. In summary, the available evidence is currently insufficient to determine the role of this variant in disease. Therefore, it has been classified as a Variant of Uncertain Significance.

Dasa
Classification: Uncertain significance. Last evaluated: 2025-06-25. Review status: criteria provided, single submitter. Criteria: DASA Assertion Criteria. Collection method: clinical testing. Allele origin: germline.
Comment: NM_000179.3(MSH6):c.3029C>G (p.Thr1010Ser) is a missense variant that results in the substitution of threonine with serine. This variant is absent from population databases. Computational prediction algorithms are consistent with a benign effect. The currently available literature and clinical evidence are not sufficient to establish a definitive association between this variant and the reported condition. Therefore, this variant is classified as a variant of uncertain significance.

Center for Genomic Medicine, Rigshospitalet, Copenhagen University Hospital
Classification: Uncertain significance. Last evaluated: 2025-03-04. Review status: criteria provided, single submitter. Criteria: ACMG Guidelines, 2015. Collection method: clinical testing. Allele origin: germline.

Baylor Genetics
Classification: Uncertain significance for Endometrial carcinoma. Last evaluated: 2024-03-26. Review status: criteria provided, single submitter. Criteria: ACMG Guidelines, 2015. Collection method: clinical testing. Allele origin: unknown.

All of Us Research Program, National Institutes of Health
Classification: Uncertain significance for Lynch syndrome. Last evaluated: 2023-11-20. Review status: criteria provided, single submitter. Criteria: ACMG Guidelines, 2015. Collection method: clinical testing. Allele origin: germline. Inheritance: Autosomal dominant inheritance. Observed: 1 variant allele, 1 heterozygote.
Comment: This missense variant replaces threonine with serine at codon 1010 of the MSH6 protein. Computational prediction suggests that this variant may not impact protein structure and function (internally defined REVEL score threshold <= 0.5, PMID: 27666373). To our knowledge, functional studies have not been reported for this variant. This variant has been reported in an individual affected with hamartomatous/juvenile polyps (PMID: 27146957). This variant has not been identified in the general population by the Genome Aggregation Database (gnomAD). The available evidence is insufficient to determine the role of this variant in disease conclusively. Therefore, this variant is classified as a Variant of Uncertain Significance.

This study involves interpretation of variants in research participants for the purpose of population health screening. Participant phenotype was not available at the time of variant classification. Additional details can be found in publication PMID: 35346344, PMCID: PMC8962531

Color Diagnostics, LLC DBA Color Health
Classification: Uncertain significance for Hereditary cancer-predisposing syndrome. Last evaluated: 2023-10-26. Review status: criteria provided, single submitter. Criteria: ACMG Guidelines, 2015. Collection method: clinical testing. Allele origin: germline.
Comment: This missense variant replaces threonine with serine at codon 1010 of the MSH6 protein. Computational prediction suggests that this variant may not impact protein structure and function (internally defined REVEL score threshold <= 0.5, PMID: 27666373). To our knowledge, functional studies have not been reported for this variant. This variant has not been reported in individuals affected with MSH6-related disorders in the literature. This variant has not been identified in the general population by the Genome Aggregation Database (gnomAD). The available evidence is insufficient to determine the role of this variant in disease conclusively. Therefore, this variant is classified as a Variant of Uncertain Significance.

Ambry Genetics
Classification: Likely benign for Hereditary cancer-predisposing syndrome. Last evaluated: 2023-03-14. Review status: criteria provided, single submitter. Criteria: Ambry Variant Classification Scheme 2023. Collection method: clinical testing. Allele origin: germline.

GeneDx
Classification: Uncertain significance. Last evaluated: 2020-10-02. Review status: criteria provided, single submitter. Criteria: GeneDx Variant Classification Process June 2021. Collection method: clinical testing. Allele origin: germline. Affected: yes.
Comment: Not observed in large population cohorts (Lek 2016); In silico analysis supports that this missense variant does not alter protein structure/function; Observed in individuals with hamartomatous polyps (Jelsig 2016); This variant is associated with the following publications: (PMID: 30122538, 27146957)

Literature cited by the submitters: PubMed 27146957 (cited by Labcorp Genetics (formerly Invitae), Labcorp and All of Us Research Program, National Institutes of Health); PubMed 35402282 (cited by Ambry Genetics).